The following is an entry in ClinVar:

NM_002693.3(POLG):c.1670A>C (p.Glu557Ala)

Gene: POLG (DNA polymerase gamma, catalytic subunit; minus strand). Cytogenetic location: 15q26.1.
Variant type: single nucleotide variant.
Coding change: c.1670A>C on transcript NM_002693.3 (MANE Select); coding-DNA position 1670, A replaced by C.
Protein change: p.Glu557Ala; replaces glutamic acid 557 with alanine.
Molecular consequence: missense variant.
Genome position (GRCh38, 1-based): chr15:89,326,654, T>G on the plus strand (A>C on the coding strand, the complement: POLG is on the minus strand). VCF-style: chr15-89326654-T-G. GRCh37 (hg19) VCF-style: chr15-89869885-T-G.
Other names: c.1670A>C, p.Glu557Ala (NM_001126131.2); short protein forms E557A.
Identifiers: ClinVar variation 3770035 (VCV003770035.1).
Genomic context (GRCh38, chr15:89,326,654, plus strand): 5'-GGGGTGGGCAGGGCTCACCCAGGGTGTCCAGGAAGGTGCTGGGGCCGCTTGGGCAGGAGC[T>G]CTGTGGTCCCCTTCAGCTTCTGCAAGCAGGCGCGGGCCATGACATCTTGTTGAAACTCCT-3'
Protein context (NP_002684.1, residues 547-567): ACLQKLKGTT[Glu557Ala]LLPKRPQHLP

ClinVar aggregate classification (germline): Uncertain significance (1 of 4 stars; one submission).

Submission:

GeneDx
Classification: Uncertain significance. Last evaluated: 2024-09-13. Review status: criteria provided, single submitter. Criteria: GeneDx Variant Classification Process June 2021. Collection method: clinical testing. Allele origin: germline. Affected: yes.
Comment: Not observed at significant frequency in large population cohorts (gnomAD); In silico analysis indicates that this missense variant does not alter protein structure/function; Has not been previously published as pathogenic or benign to our knowledge